The following is an entry in ClinVar:

ClinVar aggregate classification (germline): Benign (1 of 4 stars; one submission).

Conditions:
Cutis laxa with osteodystrophy (ARCL2A). Also called: CUTIS LAXA WITH CONGENITAL DISORDER OF GLYCOSYLATION; Autosomal recessive cutis laxa type 2A; CUTIS LAXA, AUTOSOMAL RECESSIVE, TYPE IIA; Debré-Type Cutis Laxa; CUTIS LAXA WITH BONE DYSTROPHY; CUTIS LAXA WITH GROWTH AND DEVELOPMENTAL DELAY. Identifiers: Orphanet 357058, MedGen C0268355, MONDO:0018163, OMIM 219200. Disease mechanism: loss of function.

Allele frequency attached by ClinVar (database versions not stated): gnomAD 0.00099 and 0.00064; 1000 Genomes Project 0.00439; TOPMed 0.00111; 1000 Genomes Project 30x 0.00422.

Submission:

Illumina Laboratory Services, Illumina
Classification: Benign for Cutis laxa with osteodystrophy. Last evaluated: 2018-01-12. Review status: criteria provided, single submitter. Criteria: ICSL Variant Classification Criteria 13 December 2019. Collection method: clinical testing. Allele origin: germline.
Comment: This variant was observed in the ICSL laboratory as part of a predisposition screen in an ostensibly healthy population. It had not been previously curated by ICSL or reported in the Human Gene Mutation Database (HGMD: prior to June 1st, 2018), and was therefore a candidate for classification through an automated scoring system. Utilizing variant allele frequency, disease prevalence and penetrance estimates, and inheritance mode, an automated score was calculated to assess if this variant is too frequent to cause the disease. Based on the score and internal cut-off values, a variant classified as benign is not then subjected to further curation. The score for this variant resulted in a classification of benign for this disease.

NM_012463.4(ATP6V0A2):c.*1122A>G

Gene: ATP6V0A2 (ATPase H+ transporting V0 subunit a2; plus strand). Cytogenetic location: 12q24.31.
Variant type: single nucleotide variant.
Coding change: c.*1122A>G on transcript NM_012463.4 (MANE Select); 1122 bases downstream of the stop codon, A replaced by G.
Molecular consequence: 3 prime UTR variant.
Genome position (GRCh38, 1-based): chr12:123,759,154, A>G. VCF-style: chr12-123759154-A-G. GRCh37 (hg19) VCF-style: chr12-124243701-A-G.
Identifiers: ClinVar variation 880701 (VCV000880701.4), dbSNP rs3827881, ClinGen allele CA245167013.